The following is an entry in ClinVar:

ClinVar aggregate classification (germline): Uncertain significance (1 of 4 stars; one submission).

Allele frequency attached by ClinVar (database versions not stated): gnomAD 0.00001.
gnomAD v4.1: 1 of 1,614,046 alleles (0.000062%); highest among the groups gnomAD compares: East Asian, 0.0022%; no homozygotes.

Submission:

Labcorp Genetics (formerly Invitae), Labcorp
Classification: Uncertain significance. Last evaluated: 2022-08-09. Review status: criteria provided, single submitter. Criteria: Invitae Variant Classification Sherloc (09022015). Collection method: clinical testing. Allele origin: germline.
Comment: In summary, the available evidence is currently insufficient to determine the role of this variant in disease. Therefore, it has been classified as a Variant of Uncertain Significance. Algorithms developed to predict the effect of sequence changes on RNA splicing suggest that this variant may create or strengthen a splice site. Algorithms developed to predict the effect of missense changes on protein structure and function output the following: SIFT: "Tolerated"; PolyPhen-2: "Benign"; Align-GVGD: "Class C0". The serine amino acid residue is found in multiple mammalian species, which suggests that this missense change does not adversely affect protein function. This variant has not been reported in the literature in individuals affected with DENND5A-related conditions. This variant is present in population databases (no rsID available, gnomAD 0.06%). This sequence change replaces threonine, which is neutral and polar, with serine, which is neutral and polar, at codon 725 of the DENND5A protein (p.Thr725Ser).

NM_015213.4(DENND5A):c.2173A>T (p.Thr725Ser)

Gene: DENND5A (DENN domain containing 5A; minus strand). Cytogenetic location: 11p15.4.
Variant type: single nucleotide variant.
Coding change: c.2173A>T on transcript NM_015213.4 (MANE Select); coding-DNA position 2173, A replaced by T.
Protein change: p.Thr725Ser; replaces threonine 725 with serine.
Molecular consequence: missense variant. On other transcripts: non-coding transcript variant (1).
Genome position (GRCh38, 1-based): chr11:9,165,946, T>A on the plus strand (A>T on the coding strand, the complement: DENND5A is on the minus strand). VCF-style: chr11-9165946-T-A. GRCh37 (hg19) VCF-style: chr11-9187493-T-A.
Other names: c.2173A>T, p.Thr725Ser (NM_001243254.2, NM_001348748.1); c.2101A>T, p.Thr701Ser (NM_001348749.2); c.1885A>T, p.Thr629Ser (NM_001348750.2); short protein forms T629S, T701S, T725S.
Identifiers: ClinVar variation 2093445 (VCV002093445.4), dbSNP rs762402660, ClinGen allele CA379610530.